The following is an entry in ClinVar:

ClinVar aggregate classification (germline): Benign/Likely benign. Review status: criteria provided, multiple submitters, no conflicts (2 of 4 stars). 3 submissions from 3 submitters: Benign (1); Likely benign (2). Last evaluated 2025-03-31.

Conditions:
Peutz-Jeghers syndrome (PJS). Also called: POLYPOSIS, HAMARTOMATOUS INTESTINAL; POLYPS-AND-SPOTS SYNDROME; Peutz-Jeghers polyposis; Periorificial lentiginosis syndrome. Identifiers: Orphanet 2869, MedGen C0031269, MeSH D010580, MONDO:0008280, OMIM 175200.
Hereditary cancer-predisposing syndrome. Also called: Neoplastic Syndromes, Hereditary; Tumor predisposition; Hereditary neoplastic syndrome; Hereditary Cancer Syndrome. Identifiers: Orphanet 140162, MedGen C0027672, MeSH D009386, MONDO:0015356.

Submissions (3):

Myriad Genetics, Inc.
Classification: Benign for Peutz-Jeghers syndrome. Last evaluated: 2025-03-31. Review status: criteria provided, single submitter. Criteria: Myriad Autosomal Dominant, Autosomal Recessive and X-Linked Classification Criteria (2023). Collection method: clinical testing. Allele origin: unknown.
Comment: This variant is considered benign. This variant is a silent/synonymous amino acid change and it is not expected to impact splicing.

Labcorp Genetics (formerly Invitae), Labcorp
Classification: Likely benign for Peutz-Jeghers syndrome. Last evaluated: 2023-06-06. Review status: criteria provided, single submitter. Criteria: Invitae Variant Classification Sherloc (09022015). Collection method: clinical testing. Allele origin: germline.

Ambry Genetics
Classification: Likely benign for Hereditary cancer-predisposing syndrome. Last evaluated: 2022-02-16. Review status: criteria provided, single submitter. Criteria: Ambry Variant Classification Scheme 2023. Collection method: clinical testing. Allele origin: germline.

NM_000455.5(STK11):c.1242C>T (p.Ala414=)

Gene: STK11 (serine/threonine kinase 11; plus strand). Cytogenetic location: 19p13.3.
Variant type: single nucleotide variant.
Coding change: c.1242C>T on transcript NM_000455.5 (MANE Select); coding-DNA position 1242, C replaced by T.
Protein change: p.Ala414=; no amino-acid change (alanine 414 retained).
Molecular consequence: synonymous variant. On other transcripts: non-coding transcript variant (1).
Genome position (GRCh38, 1-based): chr19:1,226,587, C>T. VCF-style: chr19-1226587-C-T. GRCh37 (hg19) VCF-style: chr19-1226586-C-T.
Identifiers: ClinVar variation 1758613 (VCV001758613.6), dbSNP rs2512955209, ClinGen allele CA402953952.